The following is an entry in ClinVar:

NM_003177.7(SYK):c.818G>A (p.Arg273His)

Gene: SYK (spleen associated tyrosine kinase; plus strand). Cytogenetic location: 9q22.2.
Variant type: single nucleotide variant.
Coding change: c.818G>A on transcript NM_003177.7 (MANE Select); coding-DNA position 818, G replaced by A.
Protein change: p.Arg273His; replaces arginine 273 with histidine.
Molecular consequence: missense variant.
Genome position (GRCh38, 1-based): chr9:90,865,069, G>A. VCF-style: chr9-90865069-G-A. GRCh37 (hg19) VCF-style: chr9-93627351-G-A.
Other names: c.818G>A (NM_003177.6); c.818G>A, p.Arg273His (NM_001135052.4, NM_001174167.3, NM_001174168.3); short protein forms R273H.
Identifiers: ClinVar variation 3451817 (VCV003451817.2).
Genomic context (GRCh38, chr9:90,865,069, plus strand): 5'-TCAGATAGAGCAGTAATTGTCCATGCTCTCTCTAACCAGGAAATGTTAATTTTGGAGGCC[G>A]TCCACAACTTCCAGGTTCCCATCCTGCGGTAAGTGTCACTAGGAATACCACTGAATGAGA-3'
Protein context (NP_003168.2, residues 263-283): GTQGNVNFGG[Arg273His]PQLPGSHPAT

ClinVar aggregate classification (germline): Uncertain significance. Review status: criteria provided, multiple submitters, no conflicts (2 of 4 stars). 2 submissions from 2 submitters: Uncertain significance (2). Last evaluated 2026-05-10.

Conditions:
SYK-related disorder. Also called: SYK-related condition.

gnomAD v4.1: 113 of 1,613,986 alleles (0.007%); highest among the groups gnomAD compares: Non-Finnish European, 0.0036%; no homozygotes.

Submissions (2):

PreventionGenetics, part of Exact Sciences
Classification: Uncertain significance for SYK-related condition. Last evaluated: 2026-05-10. Review status: criteria provided, single submitter. Criteria: ACMG Guidelines, 2015. Collection method: clinical testing. Allele origin: germline.
Comment: The SYK c.818G>A variant is predicted to result in the amino acid substitution p.Arg273His. To our knowledge, this variant has not been reported in the literature. This variant is reported in 0.14% of alleles in individuals of European (Finnish) descent in gnomAD, which may be too common to be causative. Although we suspect that this variant may be benign, at this time, the clinical significance of this variant is uncertain due to the absence of conclusive functional and genetic evidence.

Ambry Genetics
Classification: Uncertain significance. Last evaluated: 2024-08-10. Review status: criteria provided, single submitter. Criteria: Ambry Variant Classification Scheme 2023. Collection method: clinical testing. Allele origin: germline.